The following is an entry in ClinVar:

ClinVar aggregate classification (germline): Conflicting classifications of pathogenicity. Review status: criteria provided, conflicting classifications (1 of 4 stars). 5 submissions from 5 submitters: Likely pathogenic (2); Uncertain significance (2). 1 of the submissions does not count toward it. Last evaluated 2025-08-01.

Conditions:
Ornithine carbamoyltransferase deficiency (OTCD). Also called: Ornithine Carbamoyltransferase Deficiency Disease; OTC DEFICIENCY; ORNITHINE TRANSCARBAMYLASE DEFICIENCY; ORNITHINE TRANSCARBAMYLASE DEFICIENCY, HYPERAMMONEMIA DUE TO. Identifiers: Orphanet 664, MedGen C0268542, MONDO:0010703, OMIM 311250.
OTC-related disorder. Also called: OTC-related condition.

Allele frequency attached by ClinVar (database versions not stated): gnomAD exomes below 0.00001; TOPMed 0.00001.

Submissions (5):

Women's Health and Genetics/Laboratory Corporation of America, LabCorp
Classification: Uncertain significance. Last evaluated: 2025-08-01. Review status: criteria provided, single submitter. Criteria: LabCorp Variant Classification Summary - May 2015. Collection method: clinical testing. Allele origin: germline.
Comment: Variant summary: OTC c.485G>C (p.Gly162Ala) results in a non-conservative amino acid change located in the aspartate/ornithine carbamoyltransferase, carbamoyl-P binding domain (IPR006132) of the encoded protein sequence. Algorithms developed to predict the effect of missense changes on protein structure and function all suggest that this variant is likely to be disruptive. The variant was absent in 183284 control chromosomes. The available data on variant occurrences in the general population are insufficient to allow any conclusion about variant significance. To our knowledge, no occurrence of c.485G>C in individuals affected with Ornithine Transcarbamylase Deficiency and no experimental evidence demonstrating its impact on protein function have been reported. ClinVar contains an entry for this variant (Variation ID: 1417823). Based on the evidence outlined above, the variant was classified as uncertain significance.

Labcorp Genetics (formerly Invitae), Labcorp
Classification: Likely pathogenic for Ornithine carbamoyltransferase deficiency. Last evaluated: 2025-06-06. Review status: criteria provided, single submitter. Criteria: Invitae Variant Classification Sherloc (09022015). Collection method: clinical testing. Allele origin: germline.
Comment: This sequence change replaces glycine, which is neutral and non-polar, with alanine, which is neutral and non-polar, at codon 162 of the OTC protein (p.Gly162Ala). This variant is not present in population databases (gnomAD no frequency). This variant has not been reported in the literature in individuals affected with OTC-related conditions. ClinVar contains an entry for this variant (Variation ID: 1417823). Invitae Evidence Modeling of protein sequence and biophysical properties (such as structural, functional, and spatial information, amino acid conservation, physicochemical variation, residue mobility, and thermodynamic stability) indicates that this missense variant is expected to disrupt OTC protein function with a positive predictive value of 95%. This variant disrupts the p.Gly162 amino acid residue in OTC. Other variant(s) that disrupt this residue have been determined to be pathogenic (PMID: 1353535, 16786505). This suggests that this residue is clinically significant, and that variants that disrupt this residue are likely to be disease-causing. In summary, the currently available evidence indicates that the variant is pathogenic, but additional data are needed to prove that conclusively. Therefore, this variant has been classified as Likely Pathogenic.

Baylor Genetics
Classification: Likely pathogenic for Ornithine carbamoyltransferase deficiency. Last evaluated: 2023-10-14. Review status: criteria provided, single submitter. Criteria: ACMG Guidelines, 2015. Collection method: clinical testing. Allele origin: unknown.

Blueprint Genetics
Classification: Uncertain significance. Last evaluated: 2023-08-04. Review status: criteria provided, single submitter. Criteria: ACMG Guidelines, 2015. Collection method: clinical testing. Allele origin: germline.

PreventionGenetics, part of Exact Sciences
Classification: Likely pathogenic for OTC-related condition. Last evaluated: 2024-05-08. Review status: no assertion criteria provided. Collection method: clinical testing. Allele origin: germline. Not counted in ClinVar's aggregate classification.
Comment: The OTC c.485G>C variant is predicted to result in the amino acid substitution p.Gly162Ala. To our knowledge, this variant has not been reported in the literature. Alternative substitutions impacting the same amino acids (p.Gly162Arg, p.Gly162Glu) have been reported in individuals with OTC deficiency (for example, see Table S1 in Yamaguchi et al. 2006. PubMed ID: 16786505). This variant has not been reported in a large population database, indicating this variant is rare. This variant is interpreted as likely pathogenic.

Literature cited by the submitters: PubMed 1353535 (cited by Labcorp Genetics (formerly Invitae), Labcorp); PubMed 16786505 (cited by Labcorp Genetics (formerly Invitae), Labcorp).

NM_000531.6(OTC):c.485G>C (p.Gly162Ala)

Gene: OTC (ornithine transcarbamylase; plus strand). Cytogenetic location: Xp11.4.
Variant type: single nucleotide variant.
Coding change: c.485G>C on transcript NM_000531.6 (MANE Select); coding-DNA position 485, G replaced by C.
Protein change: p.Gly162Ala; replaces glycine 162 with alanine.
Molecular consequence: missense variant.
Genome position (GRCh38, 1-based): chrX:38,401,373, G>C. VCF-style: chrX-38401373-G-C. GRCh37 (hg19) VCF-style: chrX-38260626-G-C.
Other names: c.485G>C (NM_000531.5); short protein forms G162A.
Identifiers: ClinVar variation 1417823 (VCV001417823.11), dbSNP rs72556272, ClinGen allele CA412723640.